The following is an entry in ClinVar:

ClinVar aggregate classification (germline): Benign/Likely benign. Review status: criteria provided, multiple submitters, no conflicts (2 of 4 stars). 4 submissions from 4 submitters: Benign (2); Likely benign (2). Last evaluated 2026-02-04.

Conditions:
Complex cortical dysplasia with other brain malformations 5. Identifiers: MedGen C3810407, MONDO:0014337, OMIM 615763.

Allele frequency attached by ClinVar (database versions not stated): 1000 Genomes Project 0.40056; 1000 Genomes Project 30x 0.41396; ESP Exome Variant Server 0.48770; TOPMed 0.51295; ExAC 0.54875; gnomAD 0.55272; gnomAD exomes 0.64799.
gnomAD v4.1: 1,021,550 of 1,606,018 alleles (64%); highest among the groups gnomAD compares: Non-Finnish European, 70%; 335,800 homozygotes.

Submissions (4):

Labcorp Genetics (formerly Invitae), Labcorp
Classification: Likely benign. Last evaluated: 2026-02-04. Review status: criteria provided, single submitter. Criteria: Invitae Variant Classification Sherloc (09022015). Collection method: clinical testing. Allele origin: germline.

Genome-Nilou Lab
Classification: Benign for Complex cortical dysplasia with other brain malformations 5. Last evaluated: 2021-12-05. Review status: criteria provided, single submitter. Criteria: ACMG Guidelines, 2015. Collection method: clinical testing. Allele origin: germline. Affected: no.

GeneDx
Classification: Benign. Last evaluated: 2016-01-08. Review status: criteria provided, single submitter. Criteria: GeneDx Variant Classification (06012015). Collection method: clinical testing. Allele origin: germline. Affected: yes.
Comment: This variant is considered likely benign or benign based on one or more of the following criteria: it is a conservative change, it occurs at a poorly conserved position in the protein, it is predicted to be benign by multiple in silico algorithms, and/or has population frequency not consistent with disease.

Breakthrough Genomics
Classification: Likely benign. Review status: criteria provided, single submitter. Criteria: ACMG Guidelines, 2015. Collection method: not provided. Allele origin: germline. Inheritance: Autosomal dominant inheritance. Affected: yes.

NM_001069.3(TUBB2A):c.564T>G (p.Ser188=)

Gene: TUBB2A (tubulin beta 2A class IIa; minus strand). Cytogenetic location: 6p25.2.
Variant type: single nucleotide variant.
Coding change: c.564T>G on transcript NM_001069.3 (MANE Select); coding-DNA position 564, T replaced by G.
Protein change: p.Ser188=; no amino-acid change (serine 188 retained).
Molecular consequence: synonymous variant.
Genome position (GRCh38, 1-based): chr6:3,154,637, A>C on the plus strand (T>G on the coding strand, the complement: TUBB2A is on the minus strand). VCF-style: chr6-3154637-A-C. GRCh37 (hg19) VCF-style: chr6-3154871-A-C.
Other names: c.309T>G, p.Ser103= (NM_001310315.2).
Identifiers: ClinVar variation 378835 (VCV000378835.14), dbSNP rs17849443, ClinGen allele CA3619009.